The following is an entry in ClinVar:

ClinVar aggregate classification (germline): Uncertain significance (1 of 4 stars; one submission).

Allele frequency attached by ClinVar (database versions not stated): ExAC 0.00001; gnomAD 0.00001; gnomAD exomes 0.00001; TOPMed 0.00001.
gnomAD v4.1: 10 of 1,612,938 alleles (0.00062%); highest among the groups gnomAD compares: East Asian, 0.0022%; no homozygotes.

Submission:

Labcorp Genetics (formerly Invitae), Labcorp
Classification: Uncertain significance. Last evaluated: 2022-05-03. Review status: criteria provided, single submitter. Criteria: Invitae Variant Classification Sherloc (09022015). Collection method: clinical testing. Allele origin: germline.
Comment: In summary, the available evidence is currently insufficient to determine the role of this variant in disease. Therefore, it has been classified as a Variant of Uncertain Significance. Algorithms developed to predict the effect of missense changes on protein structure and function output the following: SIFT: "Tolerated"; PolyPhen-2: "Benign"; Align-GVGD: "Class C0". The threonine amino acid residue is found in multiple mammalian species, which suggests that this missense change does not adversely affect protein function. This variant has not been reported in the literature in individuals affected with KCNJ13-related conditions. This variant is present in population databases (rs752474252, gnomAD 0.003%). This sequence change replaces isoleucine, which is neutral and non-polar, with threonine, which is neutral and polar, at codon 9 of the KCNJ13 protein (p.Ile9Thr).

NM_002242.4(KCNJ13):c.26T>C (p.Ile9Thr)

Genes: GIGYF2 (GRB10 interacting GYF protein 2; plus strand), KCNJ13 (potassium inwardly rectifying channel subfamily J member 13; minus strand). Cytogenetic location: 2q37.1.
Variant type: single nucleotide variant.
Coding change: c.26T>C on transcript NM_002242.4 (MANE Select); coding-DNA position 26, T replaced by C.
Protein change: p.Ile9Thr; replaces isoleucine 9 with threonine.
Molecular consequence: missense variant. On other transcripts: intron variant (5).
Genome position (GRCh38, 1-based): chr2:232,771,337, A>G on the plus strand (T>C on the coding strand, the complement: KCNJ13 is on the minus strand). VCF-style: chr2-232771337-A-G. GRCh37 (hg19) VCF-style: chr2-233636047-A-G.
Other names: c.26T>C, p.Ile9Thr (NM_001172416.1); c.532+9901A>G (NM_001103146.3, NM_015575.4, NM_001103148.2); c.533-5075A>G (NM_001103147.2); c.-23-192T>C (NM_001172417.1); short protein forms I9T.
Identifiers: ClinVar variation 1955883 (VCV001955883.5), dbSNP rs752474252, ClinGen allele CA2170095.
Genomic context (GRCh38, chr2:232,771,337, plus strand): 5'-AGTGTGCTGTGGCCATCCTTGGTGACCATCCTCCGGTATCTTTGACTTAGGAGAGGAGCA[A>G]TAACTTTGCAATTACTGCTGTCCATCTCAGGCTGTATTTCTCTAAAATCAAGAGTAAATT-3'
Protein context (NP_002233.2, residues 1-19): MDSSNCKV[Ile9Thr]APLLSQRYRR